The following is an entry in ClinVar:

NM_000443.4(ABCB4):c.153G>A (p.Trp51Ter)

Gene: ABCB4 (ATP binding cassette subfamily B member 4; minus strand). Cytogenetic location: 7q21.12.
Variant type: single nucleotide variant.
Coding change: c.153G>A on transcript NM_000443.4 (MANE Select); coding-DNA position 153, G replaced by A.
Protein change: p.Trp51Ter; replaces tryptophan 51 with a stop codon.
Molecular consequence: nonsense.
Genome position (GRCh38, 1-based): chr7:87,462,891, C>T on the plus strand (G>A on the coding strand, the complement: ABCB4 is on the minus strand). VCF-style: chr7-87462891-C-T. GRCh37 (hg19) VCF-style: chr7-87092207-C-T.
Other names: c.153G>A, p.Trp51Ter (NM_018849.3, NM_018850.3); short protein forms W51*.
Identifiers: ClinVar variation 2687812 (VCV002687812.6), dbSNP rs1812558193, ClinGen allele CA368056612.

ClinVar aggregate classification (germline): Pathogenic/Likely pathogenic. Review status: criteria provided, multiple submitters, no conflicts (2 of 4 stars). 4 submissions from 4 submitters: Pathogenic (3); Likely pathogenic (1). Last evaluated 2026-04-14.

Conditions:
Familial intrahepatic cholestasis. Identifiers: Orphanet 284385, MedGen CN296401, MONDO:0017290.
Progressive familial intrahepatic cholestasis type 3. Also called: MDR3 DEFICIENCY; Low Gamma-GT Familial Intrahepatic Cholestasis. Identifiers: Orphanet 79305, MedGen C1865643, MONDO:0011214, OMIM 602347.

Allele frequency attached by ClinVar (database versions not stated): gnomAD exomes below 0.00001.
gnomAD v4.1: 2 of 1,613,646 alleles (0.00012%); highest among the groups gnomAD compares: Non-Finnish European, 0.00017%; no homozygotes.

Submissions (4):

Genomenon, Inc
Classification: Pathogenic for Familial intrahepatic cholestasis. Last evaluated: 2026-04-14. Review status: criteria provided, single submitter. Criteria: Genomenon Sequence Variant Interpretation Standards - Updated. Collection method: curation. Allele origin: germline. Affected: yes.
Comment: ABCB4 p.Trp51Ter (c.153G>A) is a nonsense variant that introduces a premature stop codon at amino acid position 51, creating a truncated protein that is predicted to undergo nonsense-mediated mRNA decay. This variant has been observed in at least one proband with an ABCB4-related disorder (PMID:37697751). It is absent or not present at a significant frequency in gnomAD. In conclusion, we classify ABCB4 p.Trp51Ter (c.153G>A) as a pathogenic variant.

3billion
Classification: Pathogenic for Progressive familial intrahepatic cholestasis type 3. Last evaluated: 2025-10-14. Review status: criteria provided, single submitter. Criteria: ACMG Guidelines, 2015. Collection method: clinical testing. Allele origin: germline. Affected: yes.
Comment: The variant is observed at an extremely low frequency in the gnomAD v4.1.0 dataset (total allele frequency: <0.001%). Predicted Consequence/Location: Stop-gained (nonsense): predicted to result in a loss or disruption of normal protein function through nonsense-mediated decay (NMD) or protein truncation. Multiple pathogenic variants are reported downstream of the variant. The variant has been reported at least twice as pathogenic without evidence for the classification (ClinVar ID: VCV002687812). Therefore, this variant is classified as Pathogenic according to the recommendation of ACMG/AMP guideline.

Labcorp Genetics (formerly Invitae), Labcorp
Classification: Pathogenic. Last evaluated: 2023-06-05. Review status: criteria provided, single submitter. Criteria: Invitae Variant Classification Sherloc (09022015). Collection method: clinical testing. Allele origin: germline.
Comment: For these reasons, this variant has been classified as Pathogenic. This variant has not been reported in the literature in individuals affected with ABCB4-related conditions. This variant is not present in population databases (gnomAD no frequency). This sequence change creates a premature translational stop signal (p.Trp51*) in the ABCB4 gene. It is expected to result in an absent or disrupted protein product. Loss-of-function variants in ABCB4 are known to be pathogenic (PMID: 17726488, 25755532).

Rolfs Rare Disease Consulting, Rolfs Consulting Und Verwaltungs GmbH
Classification: Likely pathogenic for Progressive familial intrahepatic cholestasis type 3. Last evaluated: 2020-01-01. Review status: criteria provided, single submitter. Criteria: ACMG Guidelines, 2015. Collection method: clinical testing. Allele origin: germline. Affected: yes.

Literature cited by the submitters: PubMed 37697751 (cited by Genomenon, Inc); PubMed 17726488 (cited by Labcorp Genetics (formerly Invitae), Labcorp); PubMed 25755532 (cited by Labcorp Genetics (formerly Invitae), Labcorp).